The following is an entry in ClinVar:

NM_003072.5(SMARCA4):c.2786_2787delinsCT (p.Leu929Pro)

Gene: SMARCA4 (SWI/SNF related BAF chromatin remodeling complex subunit ATPase 4; plus strand). Cytogenetic location: 19p13.2.
Variant type: Indel.
Coding change: c.2786_2787delinsCT on transcript NM_003072.5 (MANE Select); coding-DNA positions 2786 to 2787, TG replaced by CT.
Protein change: p.Leu929Pro; replaces leucine 929 with proline.
Molecular consequence: missense variant. On other transcripts: non-coding transcript variant (1).
Genome position (GRCh38, 1-based): chr19:11,021,894-11,021,895, TG replaced by CT. VCF-style: chr19-11021894-TG-CT. GRCh37 (hg19) VCF-style: chr19-11132570-TG-CT.
Other names: c.2786_2787delinsCT, p.Leu929Pro (NM_001128844.3, NM_001128845.2, NM_001128846.2 and 6 more transcripts); short protein forms L929P.
Identifiers: ClinVar variation 3233096 (VCV003233096.1), dbSNP rs2514883393, ClinGen allele CA2825002739.

ClinVar aggregate classification (germline): Uncertain significance (1 of 4 stars; one submission).

Conditions:
Hereditary cancer-predisposing syndrome. Also called: Neoplastic Syndromes, Hereditary; Tumor predisposition; Hereditary neoplastic syndrome; Hereditary Cancer Syndrome. Identifiers: Orphanet 140162, MedGen C0027672, MeSH D009386, MONDO:0015356.

Submission:

Ambry Genetics
Classification: Uncertain significance for Hereditary cancer-predisposing syndrome. Last evaluated: 2023-11-16. Review status: criteria provided, single submitter. Criteria: Ambry Variant Classification Scheme 2023. Collection method: clinical testing. Allele origin: germline.
Comment: The c.2786_2787delTGinsCT variant, located in coding exon 18 of the SMARCA4 gene, results from an in-frame deletion of TG and insertion of CT at nucleotide positions 2786 to 2787. This results in the substitution of the leucine residue for a proline residue at codon 929, an amino acid with similar properties. This amino acid position is highly conserved in available vertebrate species. In addition, this alteration is predicted to be deleterious by in silico analysis (Choi Y et al. PLoS ONE. 2012; 7(10):e46688). Missense and in-frame variants in SMARCA4 are known to cause neurodevelopmental disorders; however, such associations with rhabdoid tumor predisposition syndrome including small cell carcinoma of the ovary-hypercalcemic type (SCCOHT) are exceedingly rare (Kosho T et al. Am J Med Genet C Semin Med Genet. 2014 Sep;166C(3):262-75; Jelinic P et al. Nat Genet. 2014 May;46(5):424-6). Since supporting evidence is limited at this time, the clinical significance of this alteration remains unclear.